The following is an entry in ClinVar:

NM_000083.3(CLCN1):c.1627_1628delinsAT (p.Ala543Ile)

Gene: CLCN1 (chloride voltage-gated channel 1; plus strand). Cytogenetic location: 7q34.
Variant type: Indel.
Coding change: c.1627_1628delinsAT on transcript NM_000083.3 (MANE Select); coding-DNA positions 1627 to 1628, GC replaced by AT.
Protein change: p.Ala543Ile; replaces alanine 543 with isoleucine.
Molecular consequence: missense variant. On other transcripts: non-coding transcript variant (1).
Genome position (GRCh38, 1-based): chr7:143,341,973-143,341,974, GC replaced by AT. VCF-style: chr7-143341973-GC-AT. GRCh37 (hg19) VCF-style: chr7-143039066-GC-AT.
Other names: c.1627_1628delinsAT (NM_000083.2); short protein forms A543I.
Identifiers: ClinVar variation 1407714 (VCV001407714.13), dbSNP rs2116372748, ClinGen allele CA2573141805.
Genomic context (GRCh38, chr7:143,341,973, plus strand): 5'-TCCTGTGTCATTCTAGGAGCAGCAGCGCTGACTGGTGCCGTTTCCCACACAGTCTCCACA[GC>AT]TGTGATTTGCTTCGAATTAACGGGTCAGATTGCTCACATCCTGCCCATGATGGTGGCTGT-3'
Protein context (NP_000074.3, residues 533-553): TGAVSHTVST[Ala543Ile]VICFELTGQI

ClinVar aggregate classification (germline): Uncertain significance. Review status: criteria provided, multiple submitters, no conflicts (2 of 4 stars). 3 submissions from 3 submitters: Uncertain significance (3). Last evaluated 2026-08-21.

Conditions:
Congenital myotonia, autosomal dominant form (THD). Also called: THOMSEN DISEASE; Myotonia congenita autosomal dominant. Identifiers: Orphanet 614, MedGen C2936781, MONDO:0008055, OMIM 160800.
Congenital myotonia, autosomal recessive form. Also called: BECKER DISEASE; myotonia congenita, autosomal recessive; Becker Generalized Myotonia. Identifiers: Orphanet 614, MedGen C0751360, MONDO:0009715, OMIM 255700.

Submissions (3):

GeneDx
Classification: Uncertain significance. Last evaluated: 2026-08-21. Review status: criteria provided, single submitter. Criteria: GeneDx Variant Classification Process June 2021. Collection method: clinical testing. Allele origin: germline.
Comment: Not observed at significant frequency in large population cohorts (gnomAD); In silico analysis supports a deleterious effect on protein structure/function; Has not been previously published as pathogenic or benign to our knowledge

Athena Diagnostics
Classification: Uncertain significance. Last evaluated: 2024-06-24. Review status: criteria provided, single submitter. Criteria: Athena Diagnostics Criteria. Collection method: clinical testing. Allele origin: unknown.

Labcorp Genetics (formerly Invitae), Labcorp
Classification: Uncertain significance for Congenital myotonia, autosomal recessive form; Congenital myotonia, autosomal dominant form. Last evaluated: 2022-07-09. Review status: criteria provided, single submitter. Criteria: Invitae Variant Classification Sherloc (09022015). Collection method: clinical testing. Allele origin: germline.
Comment: In summary, the available evidence is currently insufficient to determine the role of this variant in disease. Therefore, it has been classified as a Variant of Uncertain Significance. Algorithms developed to predict the effect of missense changes on protein structure and function are either unavailable or do not agree on the potential impact of this missense change (SIFT: "Not Available"; PolyPhen-2: "Probably Damaging"; Align-GVGD: "Not Available"). ClinVar contains an entry for this variant (Variation ID: 1407714). This variant has not been reported in the literature in individuals affected with CLCN1-related conditions. Information on the frequency of this variant in the gnomAD database is not available, as this variant may be reported differently in the database. This sequence change replaces alanine, which is neutral and non-polar, with isoleucine, which is neutral and non-polar, at codon 543 of the CLCN1 protein (p.Ala543Ile).